The following is an entry in ClinVar:

NM_006348.5(COG5):c.832A>T (p.Arg278Ter)

Gene: COG5 (component of oligomeric golgi complex 5; minus strand). Cytogenetic location: 7q22.3.
Variant type: single nucleotide variant.
Coding change: c.832A>T on transcript NM_006348.5 (MANE Select); coding-DNA position 832, A replaced by T.
Protein change: p.Arg278Ter; replaces arginine 278 with a stop codon.
Molecular consequence: nonsense. On other transcripts: intron variant (2).
Genome position (GRCh38, 1-based): chr7:107,372,598, T>A on the plus strand (A>T on the coding strand, the complement: COG5 is on the minus strand). VCF-style: chr7-107372598-T-A. GRCh37 (hg19) VCF-style: chr7-107013043-T-A.
Other names: c.832A>T, p.Arg278Ter (NM_001161520.2, NM_001379511.1, NM_001379512.1 and 3 more transcripts); c.235-10488A>T (NM_001379516.1); c.539-74252A>T (NM_001379515.1); short protein forms R278*.
Identifiers: ClinVar variation 2034545 (VCV002034545.4), dbSNP rs2536552892, ClinGen allele CA368940546.

ClinVar aggregate classification (germline): Pathogenic (1 of 4 stars; one submission).

Conditions:
COG5-congenital disorder of glycosylation. Also called: COG5-CDG; CDG IIi; CONGENITAL DISORDER OF GLYCOSYLATION, TYPE IIi. Identifiers: Orphanet 263487, MedGen C3150876, MONDO:0013325, OMIM 613612.

Allele frequency attached by ClinVar (database versions not stated): gnomAD exomes below 0.00001.
gnomAD v4.1: 1 of 1,613,432 alleles (0.000062%); highest among the groups gnomAD compares: Non-Finnish European, 0.000085%; no homozygotes.

Submission:

Labcorp Genetics (formerly Invitae), Labcorp
Classification: Pathogenic for COG5-congenital disorder of glycosylation. Last evaluated: 2022-10-07. Review status: criteria provided, single submitter. Criteria: Invitae Variant Classification Sherloc (09022015). Collection method: clinical testing. Allele origin: germline.
Comment: This sequence change creates a premature translational stop signal (p.Arg309*) in the COG5 gene. It is expected to result in an absent or disrupted protein product. Loss-of-function variants in COG5 are known to be pathogenic (PMID: 23228021). This variant is not present in population databases (gnomAD no frequency). For these reasons, this variant has been classified as Pathogenic. This variant has not been reported in the literature in individuals affected with COG5-related conditions.

Literature cited by the submitters: PubMed 23228021.